The following is an entry in ClinVar:

ClinVar aggregate classification (germline): Conflicting classifications of pathogenicity. Review status: criteria provided, conflicting classifications (1 of 4 stars). 2 submissions from 2 submitters: Pathogenic (1); Uncertain significance (1). Last evaluated 2026-05-28.

Conditions:
Colorectal cancer, hereditary nonpolyposis, type 7. Identifiers: Orphanet 144, MedGen C1858380, MONDO:0013725, OMIM 614385.

Submissions (2):

Ambry Genetics
Classification: Pathogenic. Last evaluated: 2026-05-28. Review status: criteria provided, single submitter. Criteria: Ambry Variant Classification Scheme 2023. Collection method: clinical testing. Allele origin: germline.
Comment: The c.2542_2543delGA pathogenic mutation, located in coding exon 1 of the MLH3 gene, results from a deletion of two nucleotides at nucleotide positions 2542 to 2543, causing a translational frameshift with a predicted alternate stop codon (p.E848Kfs*12). This variant is considered to be rare based on population cohorts in the Genome Aggregation Database (gnomAD). This alteration is expected to result in loss of function by premature protein truncation or nonsense-mediated mRNA decay. As such, this alteration is interpreted as a disease-causing mutation.

Labcorp Genetics (formerly Invitae), Labcorp
Classification: Uncertain significance for Colorectal cancer, hereditary nonpolyposis, type 7. Last evaluated: 2023-09-20. Review status: criteria provided, single submitter. Criteria: Invitae Variant Classification Sherloc (09022015). Collection method: clinical testing. Allele origin: germline.
Comment: In summary, the available evidence is currently insufficient to determine the role of this variant in disease. Therefore, it has been classified as a Variant of Uncertain Significance. ClinVar contains an entry for this variant (Variation ID: 1792840). This variant has not been reported in the literature in individuals affected with MLH3-related conditions. This variant is not present in population databases (gnomAD no frequency). This sequence change creates a premature translational stop signal (p.Glu848Lysfs*12) in the MLH3 gene. It is expected to result in an absent or disrupted protein product. However, the current clinical and genetic evidence is not sufficient to establish whether loss-of-function variants in MLH3 cause disease.

NM_001040108.2(MLH3):c.2542_2543del (p.Glu848fs)

Gene: MLH3 (mutL homolog 3; minus strand). Cytogenetic location: 14q24.3.
Variant type: Microsatellite.
Coding change: c.2542_2543del on transcript NM_001040108.2 (MANE Select); coding-DNA positions 2542 to 2543, 2 bases deleted (GA; older notation c.2542_2543delGA).
Protein change: p.Glu848fs; shifts the reading frame from glutamic acid 848.
Molecular consequence: frameshift variant.
Genome position (GRCh38, 1-based): chr14:75,047,113-75,047,114, TC deleted on the plus strand (GA on the coding strand, the reverse complement: MLH3 is on the minus strand); deleting any 2 consecutive bases within chr14:75,047,113-75,047,118 gives the same sequence; the c. name uses the placement nearest the transcript's 3' end. VCF-style (leftmost placement, unchanged base first): chr14-75047112-TTC-T. GRCh37 (hg19) VCF-style: chr14-75513815-TTC-T.
Other names: c.2538_2539GA[2], p.Glu848Lysfs (NM_001040108.1); c.2542_2543del, p.Glu848fs (NM_014381.3); c.2542_2543delGA (NM_001040108.1); short protein forms E848fs.
Identifiers: ClinVar variation 1792840 (VCV001792840.6), dbSNP rs1430557374, ClinGen allele CA708539362.